The following is an entry in ClinVar:

NM_001164508.2(NEB):c.1811dup (p.Asn604fs)

Gene: NEB (nebulin; minus strand). Cytogenetic location: 2q23.3.
Variant type: Duplication.
Coding change: c.1811dup on transcript NM_001164508.2 (MANE Select); coding-DNA position 1811, one base duplicated (A; older notation c.1811dupA).
Protein change: p.Asn604fs; shifts the reading frame from asparagine 604.
Molecular consequence: frameshift variant.
Genome position (GRCh38, 1-based): chr2:151,694,408, T duplicated on the plus strand (A on the coding strand, the reverse complement: NEB is on the minus strand); the first of 7 consecutive T bases (chr2:151,694,408-151,694,414); duplicating any one gives the same sequence. VCF-style (leftmost placement, unchanged base first): chr2-151694407-G-GT. GRCh37 (hg19) VCF-style: chr2-152550921-G-GT.
Other names: c.1811dup, p.Asn604fs (NM_001164507.2, NM_001271208.2, NM_004543.5); short protein forms N604fs.
Identifiers: ClinVar variation 5019547 (VCV005019547.2).

ClinVar aggregate classification (germline): Likely pathogenic (1 of 4 stars; one submission).

Conditions:
Nemaline myopathy 2 (NEM2). Also called: Nemaline myopathy 2, autosomal recessive. Identifiers: MedGen C1850569, MONDO:0009725, OMIM 256030.
Arthrogryposis multiplex congenita 6. Identifiers: MedGen C5543431, MONDO:0030281, OMIM 619334.

Submission:

Juno Genomics, Hangzhou Juno Genomics, Inc
Classification: Likely pathogenic for Arthrogryposis multiplex congenita 6; Nemaline myopathy 2. Review status: criteria provided, single submitter. Criteria: ACMG Guidelines, 2015. Collection method: clinical testing. Allele origin: germline.
Comment: Absent from controls (or at extremely low frequency if recessive) in Genome Aggregation Database.;Null variant in a gene where loss of function (LOF) is a known mechanism of disease.